The following is an entry in ClinVar:

ClinVar aggregate classification (germline): Uncertain significance (1 of 4 stars; one submission).

Conditions:
Autosomal recessive limb-girdle muscular dystrophy type 2E (LGMDR4). Also called: MUSCULAR DYSTROPHY, LIMB-GIRDLE, AUTOSOMAL RECESSIVE 4. Identifiers: Orphanet 119, MedGen C1858593, MONDO:0011423, OMIM 604286. Disease mechanism: Affects gamma-sarcoglycan and also disrupts the integrity of the entire sarcoglycan complex..

Allele frequency attached by ClinVar (database versions not stated): TOPMed below 0.00001; gnomAD 0.00001.
gnomAD v4.1: 8 of 1,610,676 alleles (0.0005%); highest among the groups gnomAD compares: Non-Finnish European, 0.00068%; no homozygotes.

Submission:

Labcorp Genetics (formerly Invitae), Labcorp
Classification: Uncertain significance for Autosomal recessive limb-girdle muscular dystrophy type 2E. Last evaluated: 2022-07-05. Review status: criteria provided, single submitter. Criteria: Invitae Variant Classification Sherloc (09022015). Collection method: clinical testing. Allele origin: germline.
Comment: In summary, the available evidence is currently insufficient to determine the role of this variant in disease. Therefore, it has been classified as a Variant of Uncertain Significance. Algorithms developed to predict the effect of missense changes on protein structure and function are either unavailable or do not agree on the potential impact of this missense change (SIFT: "Deleterious"; PolyPhen-2: "Probably Damaging"; Align-GVGD: "Class C15"). ClinVar contains an entry for this variant (Variation ID: 646492). This variant has not been reported in the literature in individuals affected with SGCB-related conditions. This variant is not present in population databases (gnomAD no frequency). This sequence change replaces alanine, which is neutral and non-polar, with aspartic acid, which is acidic and polar, at codon 76 of the SGCB protein (p.Ala76Asp).

NM_000232.5(SGCB):c.227C>A (p.Ala76Asp)

Gene: SGCB (sarcoglycan beta; minus strand). Cytogenetic location: 4q12.
Variant type: single nucleotide variant.
Coding change: c.227C>A on transcript NM_000232.5 (MANE Select); coding-DNA position 227, C replaced by A.
Protein change: p.Ala76Asp; replaces alanine 76 with aspartic acid.
Molecular consequence: missense variant.
Genome position (GRCh38, 1-based): chr4:52,033,447, G>T on the plus strand (C>A on the coding strand, the complement: SGCB is on the minus strand). VCF-style: chr4-52033447-G-T. GRCh37 (hg19) VCF-style: chr4-52899613-G-T.
Other names: short protein forms A76D.
Identifiers: ClinVar variation 646492 (VCV000646492.9), dbSNP rs562380026, ClinGen allele CA96786553.